The following is an entry in ClinVar:

ClinVar aggregate classification (germline): Uncertain significance (1 of 4 stars; one submission).

gnomAD v4.1: 15 of 1,613,534 alleles (0.00093%); highest among the groups gnomAD compares: Admixed American, 0.018%; no homozygotes.

Submission:

Labcorp Genetics (formerly Invitae), Labcorp
Classification: Uncertain significance. Last evaluated: 2021-09-17. Review status: criteria provided, single submitter. Criteria: Invitae Variant Classification Sherloc (09022015). Collection method: clinical testing. Allele origin: germline.
Comment: This sequence change replaces valine with glycine at codon 371 of the MLC1 protein (p.Val371Gly). The valine residue is highly conserved and there is a moderate physicochemical difference between valine and glycine. This variant is not present in population databases (ExAC no frequency). This variant has not been reported in the literature in individuals with MLC1-related conditions. Algorithms developed to predict the effect of missense changes on protein structure and function (SIFT, PolyPhen-2, Align-GVGD) all suggest that this variant is likely to be disruptive, but these predictions have not been confirmed by published functional studies and their clinical significance is uncertain. In summary, the available evidence is currently insufficient to determine the role of this variant in disease. Therefore, it has been classified as a Variant of Uncertain Significance.

NM_015166.4(MLC1):c.1112T>G (p.Val371Gly)

Gene: MLC1 (modulator of VRAC current 1; minus strand). Cytogenetic location: 22q13.33.
Variant type: single nucleotide variant.
Coding change: c.1112T>G on transcript NM_015166.4 (MANE Select); coding-DNA position 1112, T replaced by G.
Protein change: p.Val371Gly; replaces valine 371 with glycine.
Molecular consequence: missense variant. On other transcripts: non-coding transcript variant (3).
Genome position (GRCh38, 1-based): chr22:50,061,605, A>C on the plus strand (T>G on the coding strand, the complement: MLC1 is on the minus strand). VCF-style: chr22-50061605-A-C. GRCh37 (hg19) VCF-style: chr22-50500034-A-C.
Other names: c.1112T>G, p.Val371Gly (NM_001376472.1, NM_001376473.1, NM_001376474.1 and 5 more transcripts); c.1055T>G, p.Val352Gly (NM_001376479.1); c.1022T>G, p.Val341Gly (NM_001376480.1); c.1010T>G, p.Val337Gly (NM_001376481.1); c.956T>G, p.Val319Gly (NM_001376482.1, NM_001376483.1); c.875T>G, p.Val292Gly (NM_001376484.1); short protein forms V341G, V352G, V292G, V371G, V319G, V337G.
Identifiers: ClinVar variation 2186298 (VCV002186298.1), dbSNP rs985607951, ClinGen allele CA412104671.
Genomic context (GRCh38, chr22:50,061,605, plus strand): 5'-CAGGCTGGGCGCTGCCACCCGGTTTCCGCGTCTGGGGGTCACTGGGCCATTTGCACCACG[A>C]CGGCTCTCCAGGCTTTCTCCTTGTCGAACTCCTTCAGGGGGCTCCTGGCCACCTGCAACC-3'
Protein context (NP_055981.1, residues 361-377): EFDKEKAWRA[Val371Gly]VVQMAQ